The following is an entry in ClinVar:

NM_001025603.2(RFX5):c.1415A>T (p.Lys472Met)

Gene: RFX5 (regulatory factor X5; minus strand). Cytogenetic location: 1q21.3.
Variant type: single nucleotide variant.
Coding change: c.1415A>T on transcript NM_001025603.2 (MANE Select); coding-DNA position 1415, A replaced by T.
Protein change: p.Lys472Met; replaces lysine 472 with methionine.
Molecular consequence: missense variant.
Genome position (GRCh38, 1-based): chr1:151,342,622, T>A on the plus strand (A>T on the coding strand, the complement: RFX5 is on the minus strand). VCF-style: chr1-151342622-T-A. GRCh37 (hg19) VCF-style: chr1-151315098-T-A.
Other names: c.1415A>T, p.Lys472Met (NM_000449.4, NM_001379412.1, NM_001379413.1 and 5 more transcripts); c.1295A>T, p.Lys432Met (NM_001379419.1, NM_001379420.1); short protein forms K472M, K432M.
Identifiers: ClinVar variation 575498 (VCV000575498.8), dbSNP rs1265793800, ClinGen allele CA341926592.

ClinVar aggregate classification (germline): Uncertain significance (1 of 4 stars; one submission).

Conditions:
MHC class II deficiency. Also called: Bare lymphocyte syndrome 2; BLS, TYPE II. Identifiers: Orphanet 572, MedGen C5447452, MONDO:0008855.

Allele frequency attached by ClinVar (database versions not stated): gnomAD exomes below 0.00001; TOPMed below 0.00001; gnomAD 0.00001.
gnomAD v4.1: 5 of 1,614,090 alleles (0.00031%); highest among the groups gnomAD compares: Non-Finnish European, 0.00034%; no homozygotes.

Submission:

Labcorp Genetics (formerly Invitae), Labcorp
Classification: Uncertain significance for MHC class II deficiency. Last evaluated: 2025-06-23. Review status: criteria provided, single submitter. Criteria: Invitae Variant Classification Sherloc (09022015). Collection method: clinical testing. Allele origin: germline.
Comment: This sequence change replaces lysine, which is basic and polar, with methionine, which is neutral and non-polar, at codon 472 of the RFX5 protein (p.Lys472Met). This variant is present in population databases (no rsID available, gnomAD 0.003%). This variant has not been reported in the literature in individuals affected with RFX5-related conditions. ClinVar contains an entry for this variant (Variation ID: 575498). An algorithm developed to predict the effect of missense changes on protein structure and function (PolyPhen-2) suggests that this variant is likely to be disruptive. In summary, the available evidence is currently insufficient to determine the role of this variant in disease. Therefore, it has been classified as a Variant of Uncertain Significance.